The following is an entry in ClinVar:

NM_001458.5(FLNC):c.2500A>G (p.Thr834Ala)

Gene: FLNC (filamin C; plus strand). Cytogenetic location: 7q32.1.
Variant type: single nucleotide variant.
Coding change: c.2500A>G on transcript NM_001458.5 (MANE Select); coding-DNA position 2500, A replaced by G.
Protein change: p.Thr834Ala; replaces threonine 834 with alanine.
Molecular consequence: missense variant.
Genome position (GRCh38, 1-based): chr7:128,842,904, A>G. VCF-style: chr7-128842904-A-G. GRCh37 (hg19) VCF-style: chr7-128482958-A-G.
Other names: c.2500A>G, p.Thr834Ala (NM_001127487.2); short protein forms T834A.
Identifiers: ClinVar variation 654582 (VCV000654582.10), dbSNP rs781169622, ClinGen allele CA4474747.

ClinVar aggregate classification (germline): Uncertain significance. Review status: criteria provided, multiple submitters, no conflicts (2 of 4 stars). 3 submissions from 3 submitters: Uncertain significance (3). Last evaluated 2025-12-21.

Conditions:
Myofibrillar myopathy 5. Also called: Filaminopathy (type); FILAMINOPATHY, AUTOSOMAL DOMINANT. Identifiers: Orphanet 171445, MedGen C1836050, MONDO:0012289, OMIM 609524.
Hypertrophic cardiomyopathy 26. Also called: Cardiomyopathy, familial hypertrophic, 26. Identifiers: Orphanet 75249, MedGen C4310749, MONDO:0014883, OMIM 617047.
Distal myopathy with posterior leg and anterior hand involvement. Also called: WILLIAMS DISTAL MYOPATHY. Identifiers: Orphanet 63273, MedGen C3279722, MONDO:0013550, OMIM 614065.
Cardiovascular phenotype. Identifiers: MedGen CN230736.

Allele frequency attached by ClinVar (database versions not stated): ExAC 0.00003; gnomAD exomes 0.00001 and 0.00003; gnomAD 0.00003; TOPMed 0.00003.
gnomAD v4.1: 51 of 1,613,796 alleles (0.0032%); highest among the groups gnomAD compares: Non-Finnish European, 0.0043%; no homozygotes.

Submissions (3):

Labcorp Genetics (formerly Invitae), Labcorp
Classification: Uncertain significance for Distal myopathy with posterior leg and anterior hand involvement; Myofibrillar myopathy 5; Hypertrophic cardiomyopathy 26. Last evaluated: 2025-12-21. Review status: criteria provided, single submitter. Criteria: Invitae Variant Classification Sherloc (09022015). Collection method: clinical testing. Allele origin: germline.
Comment: This sequence change replaces threonine, which is neutral and polar, with alanine, which is neutral and non-polar, at codon 834 of the FLNC protein (p.Thr834Ala). This variant is present in population databases (rs781169622, gnomAD 0.003%). This variant has not been reported in the literature in individuals affected with FLNC-related conditions. ClinVar contains an entry for this variant (Variation ID: 654582). Invitae Evidence Modeling of protein sequence and biophysical properties (such as structural, functional, and spatial information, amino acid conservation, physicochemical variation, residue mobility, and thermodynamic stability) has been performed for this missense variant. However, the output from this modeling did not meet the statistical confidence thresholds required to predict the impact of this variant on FLNC protein function. In summary, the available evidence is currently insufficient to determine the role of this variant in disease. Therefore, it has been classified as a Variant of Uncertain Significance.

Ambry Genetics
Classification: Uncertain significance for Cardiovascular phenotype. Last evaluated: 2023-04-25. Review status: criteria provided, single submitter. Criteria: Ambry Variant Classification Scheme 2023. Collection method: clinical testing. Allele origin: germline.
Comment: The p.T834A variant (also known as c.2500A>G), located in coding exon 16 of the FLNC gene, results from an A to G substitution at nucleotide position 2500. The threonine at codon 834 is replaced by alanine, an amino acid with similar properties. This amino acid position is conserved. In addition, the in silico prediction for this alteration is inconclusive. Since supporting evidence is limited at this time, the clinical significance of this alteration remains unclear.

Fulgent Genetics
Classification: Uncertain significance for Myofibrillar myopathy 5; Distal myopathy with posterior leg and anterior hand involvement; Hypertrophic cardiomyopathy 26. Last evaluated: 2021-11-20. Review status: criteria provided, single submitter. Criteria: ACMG Guidelines, 2015. Collection method: clinical testing. Allele origin: unknown.